The following is an entry in ClinVar:

NM_000383.4(AIRE):c.1087G>T (p.Glu363Ter)

Gene: AIRE (autoimmune regulator; plus strand). Cytogenetic location: 21q22.3.
Variant type: single nucleotide variant.
Coding change: c.1087G>T on transcript NM_000383.4 (MANE Select); coding-DNA position 1087, G replaced by T.
Protein change: p.Glu363Ter; replaces glutamic acid 363 with a stop codon.
Molecular consequence: nonsense.
Genome position (GRCh38, 1-based): chr21:44,292,393, G>T. VCF-style: chr21-44292393-G-T. GRCh37 (hg19) VCF-style: chr21-45712276-G-T.
Other names: short protein forms E363*.
Identifiers: ClinVar variation 5015119 (VCV005015119.1).

ClinVar aggregate classification (germline): Pathogenic (1 of 4 stars; one submission).

Conditions:
Polyglandular autoimmune syndrome, type 1 (APS1). Also called: AUTOIMMUNE POLYENDOCRINE SYNDROME, TYPE I, WITH OR WITHOUT REVERSIBLE METAPHYSEAL DYSPLASIA; APS I; HYPOADRENOCORTICISM WITH HYPOPARATHYROIDISM AND SUPERFICIAL MONILIASIS; PGA I; Autoimmune polyendocrine syndrome type 1; Whitaker syndrome. Identifiers: Orphanet 3453, MedGen C0085859, MONDO:0009411, OMIM 240300.

Submission:

Myriad Genetics, Inc.
Classification: Pathogenic for Polyglandular autoimmune syndrome, type 1. Last evaluated: 2025-10-21. Review status: criteria provided, single submitter. Criteria: Myriad Autosomal Dominant, Autosomal Recessive and X-Linked Classification Criteria (2023). Collection method: clinical testing. Allele origin: unknown.
Comment: NM_000383.3(AIRE):c.1087G>T(E363*) is expected to be pathogenic in the context of autoimmune polyglandular syndrome type 1. This variant is predicted to lead to an abnormal or absent protein product due to the creation of a premature termination codon in AIRE, a gene where loss-of-function variants are known to be pathogenic. Please note: this variant was assessed in the context of healthy population screening.